The following is an entry in ClinVar:

NM_000465.4(BARD1):c.838T>G (p.Leu280Val)

Gene: BARD1 (BRCA1 associated RING domain 1; minus strand). Cytogenetic location: 2q35.
Variant type: single nucleotide variant.
Coding change: c.838T>G on transcript NM_000465.4 (MANE Select); coding-DNA position 838, T replaced by G.
Protein change: p.Leu280Val; replaces leucine 280 with valine.
Molecular consequence: missense variant. On other transcripts: intron variant (3), non-coding transcript variant (2).
Genome position (GRCh38, 1-based): chr2:214,781,036, A>C on the plus strand (T>G on the coding strand, the complement: BARD1 is on the minus strand). VCF-style: chr2-214781036-A-C. GRCh37 (hg19) VCF-style: chr2-215645760-A-C.
Other names: c.158+28376T>G (NM_001282548.2); c.215+16025T>G (NM_001282545.2); c.364+11261T>G (NM_001282549.2); c.781T>G, p.Leu261Val (NM_001282543.2); short protein forms L280V, L261V.
Identifiers: ClinVar variation 5032774 (VCV005032774.1).

ClinVar aggregate classification (germline): Uncertain significance (1 of 4 stars; one submission).

Conditions:
Hereditary cancer-predisposing syndrome. Also called: Neoplastic Syndromes, Hereditary; Tumor predisposition; Hereditary neoplastic syndrome; Hereditary Cancer Syndrome. Identifiers: Orphanet 140162, MedGen C0027672, MeSH D009386, MONDO:0015356.

Submission:

Ambry Genetics
Classification: Uncertain significance for Hereditary cancer-predisposing syndrome. Last evaluated: 2026-06-16. Review status: criteria provided, single submitter. Criteria: Ambry Variant Classification Scheme 2023. Collection method: clinical testing. Allele origin: germline.
Comment: The p.L280V variant (also known as c.838T>G), located in coding exon 4 of the BARD1 gene, results from a T to G substitution at nucleotide position 838. The leucine at codon 280 is replaced by valine, an amino acid with highly similar properties. This amino acid position is conserved. In addition, this alteration is predicted to be tolerated by in silico analysis. Based on the available evidence, the clinical significance of this variant remains unclear.